The following is an entry in ClinVar:

NM_001170629.2(CHD8):c.3325C>G (p.Leu1109Val)

Gene: CHD8 (chromodomain helicase DNA binding protein 8; minus strand). Cytogenetic location: 14q11.2.
Variant type: single nucleotide variant.
Coding change: c.3325C>G on transcript NM_001170629.2 (MANE Select); coding-DNA position 3325, C replaced by G.
Protein change: p.Leu1109Val; replaces leucine 1109 with valine.
Molecular consequence: missense variant.
Genome position (GRCh38, 1-based): chr14:21,403,646, G>C on the plus strand (C>G on the coding strand, the complement: CHD8 is on the minus strand). VCF-style: chr14-21403646-G-C. GRCh37 (hg19) VCF-style: chr14-21871805-G-C.
Other names: c.2488C>G, p.Leu830Val (NM_020920.4); c.3325C>G (NM_001170629.1); short protein forms L830V, L1109V.
Identifiers: ClinVar variation 2981730 (VCV002981730.4), dbSNP rs2501903417, ClinGen allele CA388901488.

ClinVar aggregate classification (germline): Uncertain significance. Review status: criteria provided, multiple submitters, no conflicts (2 of 4 stars). 2 submissions from 2 submitters: Uncertain significance (2). Last evaluated 2025-04-12.

Conditions:
Inborn genetic diseases. Identifiers: MedGen C0950123, MeSH D030342.

Submissions (2):

Ambry Genetics
Classification: Uncertain significance for Inborn genetic diseases. Last evaluated: 2025-04-12. Review status: criteria provided, single submitter. Criteria: Ambry Variant Classification Scheme 2023. Collection method: clinical testing. Allele origin: germline.

Labcorp Genetics (formerly Invitae), Labcorp
Classification: Uncertain significance. Last evaluated: 2023-04-12. Review status: criteria provided, single submitter. Criteria: Invitae Variant Classification Sherloc (09022015). Collection method: clinical testing. Allele origin: germline.
Comment: Advanced modeling of protein sequence and biophysical properties (such as structural, functional, and spatial information, amino acid conservation, physicochemical variation, residue mobility, and thermodynamic stability) performed at Invitae indicates that this missense variant is not expected to disrupt CHD8 protein function. This variant has not been reported in the literature in individuals affected with CHD8-related conditions. This variant is not present in population databases (gnomAD no frequency). This sequence change replaces leucine, which is neutral and non-polar, with valine, which is neutral and non-polar, at codon 1109 of the CHD8 protein (p.Leu1109Val). In summary, the available evidence is currently insufficient to determine the role of this variant in disease. Therefore, it has been classified as a Variant of Uncertain Significance.